The following is an entry in ClinVar:

NM_138425.4(C12orf57):c.169G>A (p.Val57Met)

Gene: C12orf57 (chromosome 12 open reading frame 57; plus strand). Cytogenetic location: 12p13.31.
Variant type: single nucleotide variant.
Coding change: c.169G>A on transcript NM_138425.4 (MANE Select); coding-DNA position 169, G replaced by A.
Protein change: p.Val57Met; replaces valine 57 with methionine.
Molecular consequence: missense variant. On other transcripts: intron variant (1).
Genome position (GRCh38, 1-based): chr12:6,944,592, G>A. VCF-style: chr12-6944592-G-A. GRCh37 (hg19) VCF-style: chr12-7053755-G-A.
Other names: c.142+27G>A (NM_001301837.2); c.169G>A, p.Val57Met (NM_001301834.1); c.130G>A, p.Val44Met (NM_001301836.2); c.64G>A, p.Val22Met (NM_001301838.2); short protein forms V44M, V57M, V22M.
Identifiers: ClinVar variation 663640 (VCV000663640.6), dbSNP rs376090183, ClinGen allele CA6421280.
Genomic context (GRCh38, chr12:6,944,592, plus strand): 5'-GACGAGGCTCGGGATAACGCCTGCAACGACATGGGTAAGATGCTGCAATTCGTGCTGCCC[G>A]TGGCCACGCAGATCCAGCAGGAGGTTATCAAAGCCTATGGCTTCAGCTGCGACGGGGAAG-3'
Protein context (NP_612434.1, residues 47-67): MGKMLQFVLP[Val57Met]ATQIQQEVIK

ClinVar aggregate classification (germline): Uncertain significance (1 of 4 stars; one submission).

Conditions:
Temtamy syndrome (TEMTYS). Also called: MENTAL RETARDATION WITH OR WITHOUT CRANIOFACIAL DYSMORPHISM, OCULAR COLOBOMA, OR ABNORMAL CORPUS CALLOSUM. Identifiers: Orphanet 1777, MedGen C1857512, MONDO:0009033, OMIM 218340.

Allele frequency attached by ClinVar (database versions not stated): ESP Exome Variant Server 0.00008; gnomAD 0.00008 and 0.00009; TOPMed 0.00011.
gnomAD v4.1: 26 of 1,614,080 alleles (0.0016%); highest among the groups gnomAD compares: African/African-American, 0.027%; 1 homozygote.

Submission:

Labcorp Genetics (formerly Invitae), Labcorp
Classification: Uncertain significance for Temtamy syndrome. Last evaluated: 2022-08-03. Review status: criteria provided, single submitter. Criteria: Invitae Variant Classification Sherloc (09022015). Collection method: clinical testing. Allele origin: germline.
Comment: This sequence change replaces valine, which is neutral and non-polar, with methionine, which is neutral and non-polar, at codon 57 of the C12orf57 protein (p.Val57Met). This variant is present in population databases (rs376090183, gnomAD 0.01%). This variant has not been reported in the literature in individuals affected with C12orf57-related conditions. ClinVar contains an entry for this variant (Variation ID: 663640). Algorithms developed to predict the effect of missense changes on protein structure and function are either unavailable or do not agree on the potential impact of this missense change (SIFT: "Deleterious"; PolyPhen-2: "Possibly Damaging"; Align-GVGD: "Class C0"). In summary, the available evidence is currently insufficient to determine the role of this variant in disease. Therefore, it has been classified as a Variant of Uncertain Significance.